The following is an entry in ClinVar:

ClinVar aggregate classification (germline): Benign (1 of 4 stars; one submission).

Conditions:
Brachydactyly. Also called: Brachydactyly syndrome; Brachydactyly (disease). Identifiers: MedGen C0221357, MONDO:0021004, HP:0001156.

Allele frequency attached by ClinVar (database versions not stated): gnomAD 0.00837 and 0.00892; TOPMed 0.00938; 1000 Genomes Project 0.01138; 1000 Genomes Project 30x 0.01171.

Submission:

Illumina Laboratory Services, Illumina
Classification: Benign for Brachydactyly. Last evaluated: 2018-01-12. Review status: criteria provided, single submitter. Criteria: ICSL Variant Classification Criteria 13 December 2019. Collection method: clinical testing. Allele origin: germline.
Comment: This variant was observed in the ICSL laboratory as part of a predisposition screen in an ostensibly healthy population. It had not been previously curated by ICSL or reported in the Human Gene Mutation Database (HGMD: prior to June 1st, 2018), and was therefore a candidate for classification through an automated scoring system. Utilizing variant allele frequency, disease prevalence and penetrance estimates, and inheritance mode, an automated score was calculated to assess if this variant is too frequent to cause the disease. Based on the score and internal cut-off values, a variant classified as benign is not then subjected to further curation. The score for this variant resulted in a classification of benign for this disease.

NM_001203.3(BMPR1B):c.*2453A>G

Gene: BMPR1B (bone morphogenetic protein receptor type 1B; plus strand). Cytogenetic location: 4q22.3.
Variant type: single nucleotide variant.
Coding change: c.*2453A>G on transcript NM_001203.3 (MANE Select); 2453 bases downstream of the stop codon, A replaced by G.
Molecular consequence: 3 prime UTR variant.
Genome position (GRCh38, 1-based): chr4:95,157,126, A>G. VCF-style: chr4-95157126-A-G. GRCh37 (hg19) VCF-style: chr4-96078277-A-G.
Other names: c.*2453A>G (NM_001256792.2, NM_001256793.2, NM_001256794.1).
Identifiers: ClinVar variation 350169 (VCV000350169.5), dbSNP rs143459680, ClinGen allele CA10622034.